The following is an entry in ClinVar:

ClinVar aggregate classification (germline): Uncertain significance (1 of 4 stars; one submission).

Conditions:
Hereditary cancer-predisposing syndrome. Also called: Hereditary neoplastic syndrome; Neoplastic Syndromes, Hereditary; Tumor predisposition; Hereditary Cancer Syndrome. Identifiers: Orphanet 140162, MedGen C0027672, MeSH D009386, MONDO:0015356.

Submission:

Ambry Genetics
Classification: Uncertain significance for Hereditary cancer-predisposing syndrome. Last evaluated: 2024-12-29. Review status: criteria provided, single submitter. Criteria: Ambry Variant Classification Scheme 2023. Collection method: clinical testing. Allele origin: germline.
Comment: The p.P29Q variant (also known as c.86C>A), located in coding exon 2 of the XRCC2 gene, results from a C to A substitution at nucleotide position 86. The proline at codon 29 is replaced by glutamine, an amino acid with similar properties. This amino acid position is conserved. In addition, the in silico prediction for this alteration is inconclusive. Based on the available evidence, the clinical significance of this variant remains unclear.

NM_005431.2(XRCC2):c.86C>A (p.Pro29Gln)

Gene: XRCC2 (X-ray repair cross complementing 2; minus strand). Cytogenetic location: 7q36.1.
Variant type: single nucleotide variant.
Coding change: c.86C>A on transcript NM_005431.2 (MANE Select); coding-DNA position 86, C replaced by A.
Protein change: p.Pro29Gln; replaces proline 29 with glutamine.
Molecular consequence: missense variant.
Genome position (GRCh38, 1-based): chr7:152,660,736, G>T on the plus strand (C>A on the coding strand, the complement: XRCC2 is on the minus strand). VCF-style: chr7-152660736-G-T. GRCh37 (hg19) VCF-style: chr7-152357821-G-T.
Other names: short protein forms P29Q.
Identifiers: ClinVar variation 3817830 (VCV003817830.1).